The following is an entry in ClinVar:

ClinVar aggregate classification (germline): Likely benign. Review status: criteria provided, multiple submitters, no conflicts (2 of 4 stars). 2 submissions from 2 submitters: Likely benign (2). Last evaluated 2026-07-01.

Conditions:
Saldino-Mainzer syndrome (SRTD9). Also called: short-rib thoracic dysplasia 9 with or without polydactyly; SHORT-RIB THORACIC DYSPLASIA 9 WITHOUT POLYDACTYLY; CONORENAL SYNDROME; Renal dysplasia, retinal pigmentary dystrophy, cerebellar ataxia and skeletal dysplasia. Identifiers: Orphanet 140969, MedGen C1849437, MONDO:0009964, OMIM 266920.

Allele frequency attached by ClinVar (database versions not stated): gnomAD exomes below 0.00001 and 0.00002; ExAC 0.00002.
gnomAD v4.1: 7 of 1,613,834 alleles (0.00043%); highest among the groups gnomAD compares: South Asian, 0.0011%; no homozygotes.

Submissions (2):

CeGaT Center for Human Genetics Tuebingen
Classification: Likely benign. Last evaluated: 2026-07-01. Review status: criteria provided, single submitter. Criteria: CeGaT Center For Human Genetics Tuebingen Variant Classification Criteria Version 2. Collection method: clinical testing. Allele origin: germline. Affected: yes. Observed: 1 variant allele.
Comment: IFT140: BP4, BP7

Labcorp Genetics (formerly Invitae), Labcorp
Classification: Likely benign for Saldino-Mainzer syndrome. Last evaluated: 2022-02-03. Review status: criteria provided, single submitter. Criteria: Invitae Variant Classification Sherloc (09022015). Collection method: clinical testing. Allele origin: germline.

NM_014714.4(IFT140):c.1809T>C (p.Asp603=)

Gene: IFT140 (intraflagellar transport 140; minus strand). Cytogenetic location: 16p13.3.
Variant type: single nucleotide variant.
Coding change: c.1809T>C on transcript NM_014714.4 (MANE Select); coding-DNA position 1809, T replaced by C.
Protein change: p.Asp603=; no amino-acid change (aspartic acid 603 retained).
Molecular consequence: synonymous variant.
Genome position (GRCh38, 1-based): chr16:1,566,253, A>G on the plus strand (T>C on the coding strand, the complement: IFT140 is on the minus strand). VCF-style: chr16-1566253-A-G. GRCh37 (hg19) VCF-style: chr16-1616254-A-G.
Identifiers: ClinVar variation 1670351 (VCV001670351.9), dbSNP rs779610741, ClinGen allele CA7814127.